The following is an entry in ClinVar:

NM_005639.3(SYT1):c.822G>T (p.Leu274Phe)

Gene: SYT1 (synaptotagmin 1; plus strand). Cytogenetic location: 12q21.2.
Variant type: single nucleotide variant.
Coding change: c.822G>T on transcript NM_005639.3 (MANE Select); coding-DNA position 822, G replaced by T.
Protein change: p.Leu274Phe; replaces leucine 274 with phenylalanine.
Molecular consequence: missense variant.
Genome position (GRCh38, 1-based): chr12:79,353,513, G>T. VCF-style: chr12-79353513-G-T. GRCh37 (hg19) VCF-style: chr12-79747293-G-T.
Other names: c.822G>T, p.Leu274Phe (NM_001135805.2, NM_001135806.2, NM_001415938.1 and 2 more transcripts); c.813G>T, p.Leu271Phe (NM_001291901.2, NM_001415941.1, NM_001415942.1 and 1 more transcripts); short protein forms L271F, L274F.
Identifiers: ClinVar variation 2576861 (VCV002576861.1), dbSNP rs2136007449, ClinGen allele CA385930375.

ClinVar aggregate classification (germline): Uncertain significance (1 of 4 stars; one submission).

Submission:

GeneDx
Classification: Uncertain significance. Last evaluated: 2023-02-16. Review status: criteria provided, single submitter. Criteria: GeneDx Variant Classification Process June 2021. Collection method: clinical testing. Allele origin: germline. Affected: yes.
Comment: Not observed at significant frequency in large population cohorts (gnomAD); In silico analysis supports that this missense variant has a deleterious effect on protein structure/function; Has not been previously published as pathogenic or benign to our knowledge